The following is an entry in ClinVar:

ClinVar aggregate classification (germline): Uncertain significance (1 of 4 stars; one submission).

Allele frequency attached by ClinVar (database versions not stated): gnomAD exomes 0.00004; ExAC 0.00007; TOPMed 0.00012; gnomAD 0.00022.
gnomAD v4.1: 96 of 1,613,456 alleles (0.0059%); highest among the groups gnomAD compares: Admixed American, 0.095%; no homozygotes.

Submission:

Labcorp Genetics (formerly Invitae), Labcorp
Classification: Uncertain significance. Last evaluated: 2022-07-18. Review status: criteria provided, single submitter. Criteria: Invitae Variant Classification Sherloc (09022015). Collection method: clinical testing. Allele origin: germline.
Comment: This sequence change falls in intron 2 of the VAC14 gene. It does not directly change the encoded amino acid sequence of the VAC14 protein. It affects a nucleotide within the consensus splice site. This variant is present in population databases (rs778655208, gnomAD 0.07%). This variant has not been reported in the literature in individuals affected with VAC14-related conditions. Variants that disrupt the consensus splice site are a relatively common cause of aberrant splicing (PMID: 17576681, 9536098). Algorithms developed to predict the effect of sequence changes on RNA splicing suggest that this variant is not likely to affect RNA splicing. In summary, the available evidence is currently insufficient to determine the role of this variant in disease. Therefore, it has been classified as a Variant of Uncertain Significance.

Literature cited by the submitters: PubMed 17576681; PubMed 9536098.

NM_018052.5(VAC14):c.255+4G>A

Gene: VAC14 (VAC14 component of PIKFYVE complex; minus strand). Cytogenetic location: 16q22.1.
Variant type: single nucleotide variant.
Coding change: c.255+4G>A on transcript NM_018052.5 (MANE Select); 4 bases into the intron after coding-DNA position 255, G replaced by A.
Molecular consequence: intron variant.
Genome position (GRCh38, 1-based): chr16:70,786,211, C>T on the plus strand (G>A on the coding strand, the complement: VAC14 is on the minus strand). VCF-style: chr16-70786211-C-T. GRCh37 (hg19) VCF-style: chr16-70820114-C-T.
Other names: c.-447-342G>A (NM_001351157.2).
Identifiers: ClinVar variation 1928068 (VCV001928068.2), dbSNP rs778655208, ClinGen allele CA8148160.
Genomic context (GRCh38, chr16:70,786,211, plus strand): 5'-CGGGATGGCTTGGTCAGCGTCAAGGCCAGGACTGGTATGTCTGTCCCTTGGGTGAAAGGC[C>T]CACCTTGCCCAGTGCGATGGAGCAGGCGGCCAGGCCGATGAGGCCCCCTTTCCGGCTGTG-3'